The following is an entry in ClinVar:

NM_014014.5(SNRNP200):c.1660A>C (p.Ser554Arg)

Gene: SNRNP200 (small nuclear ribonucleoprotein U5 subunit 200; minus strand). Cytogenetic location: 2q11.2.
Variant type: single nucleotide variant.
Coding change: c.1660A>C on transcript NM_014014.5 (MANE Select); coding-DNA position 1660, A replaced by C.
Protein change: p.Ser554Arg; replaces serine 554 with arginine.
Molecular consequence: missense variant.
Genome position (GRCh38, 1-based): chr2:96,296,547, T>G on the plus strand (A>C on the coding strand, the complement: SNRNP200 is on the minus strand). VCF-style: chr2-96296547-T-G. GRCh37 (hg19) VCF-style: chr2-96962285-T-G.
Other names: short protein forms S554R.
Identifiers: ClinVar variation 2696691 (VCV002696691.4), dbSNP rs2467348228, ClinGen allele CA347681864.

ClinVar aggregate classification (germline): Uncertain significance. Review status: criteria provided, single submitter (1 of 4 stars). 2 submissions from 2 submitters: Uncertain significance (1). 1 of the submissions does not count toward it. Last evaluated 2023-11-24.

Conditions:
Retinal dystrophy. Also called: Inherited retinal dystrophy. Identifiers: Orphanet 71862, MedGen C0854723, MeSH D058499, MONDO:0019118, HP:0000556.

Submissions (2):

Labcorp Genetics (formerly Invitae), Labcorp
Classification: Uncertain significance. Last evaluated: 2023-11-24. Review status: criteria provided, single submitter. Criteria: Invitae Variant Classification Sherloc (09022015). Collection method: clinical testing. Allele origin: germline.
Comment: This sequence change replaces serine, which is neutral and polar, with arginine, which is basic and polar, at codon 554 of the SNRNP200 protein (p.Ser554Arg). This variant is not present in population databases (gnomAD no frequency). This missense change has been observed in individuals with SNRNP200-related conditions (PMID: 32037395, 36284670; Invitae). Advanced modeling of protein sequence and biophysical properties (such as structural, functional, and spatial information, amino acid conservation, physicochemical variation, residue mobility, and thermodynamic stability) performed at Invitae indicates that this missense variant is expected to disrupt SNRNP200 protein function with a positive predictive value of 80%. In summary, the available evidence is currently insufficient to determine the role of this variant in disease. Therefore, it has been classified as a Variant of Uncertain Significance.

Institute of Human Genetics, Univ. Regensburg, Univ. Regensburg
Classification: Uncertain significance for Retinal dystrophy. Last evaluated: 2021-01-01. Review status: no assertion criteria provided. Criteria: ACMG Guidelines, 2015. Collection method: clinical testing. Allele origin: germline. Affected: yes. Not counted in ClinVar's aggregate classification.

Literature cited by the submitters: PubMed 32037395 (cited by Labcorp Genetics (formerly Invitae), Labcorp); PubMed 36284670 (cited by Labcorp Genetics (formerly Invitae), Labcorp).